The following is an entry in ClinVar:

NM_001017420.3(ESCO2):c.1131+1G>A

Gene: ESCO2 (establishment of sister chromatid cohesion N-acetyltransferase 2; plus strand). Cytogenetic location: 8p21.1.
Variant type: single nucleotide variant.
Coding change: c.1131+1G>A on transcript NM_001017420.3 (MANE Select); the canonical splice donor site of the intron after coding-DNA position 1131, G replaced by A.
Molecular consequence: splice donor variant.
Genome position (GRCh38, 1-based): chr8:27,788,003, G>A. VCF-style: chr8-27788003-G-A. GRCh37 (hg19) VCF-style: chr8-27645520-G-A.
Identifiers: ClinVar variation 21233 (VCV000021233.15), dbSNP rs80359861, ClinGen allele CA341780.
Genomic context (GRCh38, chr8:27,788,003, plus strand): 5'-ATCCAGAAAAATACTAATACCAGAGATACAAGTAAAAAAACAAAAGACCAGCTCATCATC[G>A]TGAGTAAATTCCAAACAAAGCTTCTCCTATCTAGCCCTTTGCAGAAAAGCTTGCCAACCC-3'

ClinVar aggregate classification (germline): Pathogenic. Review status: criteria provided, multiple submitters, no conflicts (2 of 4 stars). 7 submissions from 7 submitters: Pathogenic (6). 1 of the submissions does not count toward it. Last evaluated 2026-01-20.

Conditions:
ESCO2-Related Disorders. Identifiers: MedGen CN380081.
Roberts-SC phocomelia syndrome (RBS). Also called: Pseudothalidomide syndrome; Appelt-Gerken-Lenz syndrome; LONG BONE DEFICIENCIES ASSOCIATED WITH CLEFT LIP-PALATE; Hypomelia hypotrichosis facial hemangioma syndrome; ESCO2 Spectrum Disorder. Identifiers: Orphanet 3103, MedGen C0392475, MONDO:0100253, OMIM 268300.
Juberg-Hayward syndrome (JHS). Also called: Cleft lip/palate with abnormal thumbs and microcephaly; OROCRANIODIGITAL SYNDROME. Identifiers: Orphanet 2319, MedGen C0796099, MONDO:0008992, OMIM 216100.

Allele frequency attached by ClinVar (database versions not stated): gnomAD exomes below 0.00001 and 0.00003; ExAC 0.00001; gnomAD 0.00001 and 0.00002; TOPMed 0.00002; ESP Exome Variant Server 0.00008.
gnomAD v4.1: 40 of 1,601,476 alleles (0.0025%); highest among the groups gnomAD compares: Non-Finnish European, 0.003%; no homozygotes.

Submissions (7):

Natera, Inc.
Classification: Pathogenic for Roberts syndrome. Last evaluated: 2026-01-20. Review status: criteria provided, single submitter. Criteria: Natera Variant Classification Schema (03/2026). Collection method: clinical testing. Allele origin: germline.
Comment: The c.1131+1G>A variant in ESCO2 is a canonical splice donor site variant predicted to affect pre-mRNA splicing, which may result in an abnormal transcript and altered protein product. This variant is expected to result in nonsense mediated decay, truncation, or a dysfunctional protein product. This variant is rare in the general population with a frequency below the threshold expected for the associated phenotype(s). This variant has been observed in one or more individuals affected with the associated recessive disease, as either homozygous or compound heterozygous with a second variant (PMID: 19574259, 16380922). Functional studies show that this variant may disrupt protein function (PMID: 16380922). Given the available evidence, this variant is classified as Pathogenic.

Fulgent Genetics
Classification: Pathogenic for Juberg-Hayward syndrome; Roberts-SC phocomelia syndrome. Last evaluated: 2024-03-07. Review status: criteria provided, single submitter. Criteria: ACMG Guidelines, 2015. Collection method: clinical testing. Allele origin: germline.

Labcorp Genetics (formerly Invitae), Labcorp
Classification: Pathogenic. Last evaluated: 2024-02-01. Review status: criteria provided, single submitter. Criteria: Invitae Variant Classification Sherloc (09022015). Collection method: clinical testing. Allele origin: germline.
Comment: This sequence change affects a donor splice site in intron 6 of the ESCO2 gene. It is expected to disrupt RNA splicing. Variants that disrupt the donor or acceptor splice site typically lead to a loss of protein function (PMID: 16199547), and loss-of-function variants in ESCO2 are known to be pathogenic (PMID: 15821733, 16380922). This variant is present in population databases (rs80359861, gnomAD 0.002%). Disruption of this splice site has been observed in individuals with Roberts syndrome (PMID: 16380922, 19574259). ClinVar contains an entry for this variant (Variation ID: 21233). Algorithms developed to predict the effect of sequence changes on RNA splicing suggest that this variant may disrupt the consensus splice site. For these reasons, this variant has been classified as Pathogenic.

Clinical Genetics Laboratory, Skane University Hospital Lund
Classification: Pathogenic. Last evaluated: 2022-07-13. Review status: criteria provided, single submitter. Criteria: ACMG Guidelines, 2015. Collection method: clinical testing. Allele origin: germline. Affected: yes.

Blueprint Genetics
Classification: Pathogenic for ESCO2-related disorders. Last evaluated: 2017-08-20. Review status: criteria provided, single submitter. Criteria: ACMG Guidelines, 2015. Collection method: clinical testing. Allele origin: germline. Affected: yes. Observed: 2 variant alleles.

Neuberg Centre For Genomic Medicine, NCGM
Classification: Pathogenic for Roberts-SC phocomelia syndrome. Review status: criteria provided, single submitter. Criteria: ACMG Guidelines, 2015. Collection method: clinical testing. Allele origin: germline. Inheritance: Autosomal recessive inheritance. Affected: yes.
Comment: The splice site variant c.1131+1G>A in the ESCO2 gene has been reported in homozygous state in individuals affected with Roberts syndrome (Schüle B. et al., 2005). This variant is reported with the allele frequency (0.0004%) in gnomAD and novel in 1000 genome database. It has been submitted to ClinVar as a Pathogenic variant. The variant affects the invariant GT donor splice site of exon 6. Loss of function variants have been previously reported to be disease causing. For these reasons, this variant has been classified as Pathogenic.

GeneReviews
No classification provided. Condition: Roberts-SC phocomelia syndrome. Review status: no classification provided. Collection method: literature only. Allele origin: germline. Not counted in ClinVar's aggregate classification.

Literature cited by the submitters: PubMed 19574259 (cited by Natera, Inc. and Labcorp Genetics (formerly Invitae), Labcorp); PubMed 16380922 (cited by 3 submitters); PubMed 16199547 (cited by Labcorp Genetics (formerly Invitae), Labcorp); PubMed 15821733 (cited by Labcorp Genetics (formerly Invitae), Labcorp); PubMed 24864645 (cited by GeneReviews); PubMed 31192177 (cited by GeneReviews); PubMed 20301332 (cited by GeneReviews).